The following is an entry in ClinVar:

ClinVar aggregate classification (germline): Uncertain significance (1 of 4 stars; one submission).

Submission:

Women's Health and Genetics/Laboratory Corporation of America, LabCorp
Classification: Uncertain significance. Last evaluated: 2025-11-25. Review status: criteria provided, single submitter. Criteria: LabCorp Variant Classification Summary - May 2015. Collection method: clinical testing. Allele origin: germline.
Comment: Variant summary: The variant involves the duplication of exon 6 in the RNF125 gene. A presumed nomenclature of c.(612+1_613-1)_(*4836_?)dup has been designated for the purposes of this classification. The exact breakpoint at the 3' end of this variant is unknown, therefore this duplication may extend downstream of the annotated region of the gene. As it duplicates the termination codon, its effect on the encoded protein is unknown. The variant was absent in 21694 control chromosomes. The available data on variant occurrences in the general population are insufficient to allow any conclusion about variant significance. However, a large multigenic duplication including exon 6 of RNF125 has been seen at an allele frequency of 0.0005992(13/21694) in gnomAD (structural variants v2.1) (Chr18:29646951-29678570). A duplicaton similar to this has been reported in the literature in an individual affected with epilepsy (e.g, Uchiyama_2021). This report does not provide unequivocal conclusions about association of the variant with Tenorio Syndrome. To our knowledge, no experimental evidence demonstrating an impact on protein function has been reported. The following publication has been ascertained in the context of this evaluation (PMID: 33131168). ClinVar contains an entry for this variant (Variation ID: 642635). Based on the evidence outlined above, the variant was classified as uncertain significance.

Literature cited by the submitters: PubMed 33131168.

NC_000018.9:g.(29645973_29648260)_(29653183_?)dup

Gene: RNF125 (ring finger protein 125; plus strand). Cytogenetic location: 18q12.1.
Variant type: Duplication.
Identifiers: ClinVar variation 3629949 (VCV003629949.2).